The following is an entry in ClinVar:

NM_000702.4(ATP1A2):c.1819G>A (p.Gly607Ser)

Gene: ATP1A2 (ATPase Na+/K+ transporting subunit alpha 2; plus strand). Cytogenetic location: 1q23.2.
Variant type: single nucleotide variant.
Coding change: c.1819G>A on transcript NM_000702.4 (MANE Select); coding-DNA position 1819, G replaced by A.
Protein change: p.Gly607Ser; replaces glycine 607 with serine.
Molecular consequence: missense variant.
Genome position (GRCh38, 1-based): chr1:160,130,589, G>A. VCF-style: chr1-160130589-G-A. GRCh37 (hg19) VCF-style: chr1-160100379-G-A.
Other names: short protein forms G607S.
Identifiers: ClinVar variation 3360540 (VCV003360540.1).
Genomic context (GRCh38, chr1:160,130,589, plus strand): 5'-TCTATGATTGACCCTCCCCGGGCTGCTGTGCCAGATGCTGTGGGCAAGTGCCGAAGCGCA[G>A]GCATCAAGGTACTGGCCTCCCATCCTCCCCTCCATTCTAGCCTCCCCCATGCCAGAGTTC-3'
Protein context (NP_000693.1, residues 597-617): PDAVGKCRSA[Gly607Ser]IKVIMVTGDH

ClinVar aggregate classification (germline): Uncertain significance (1 of 4 stars; one submission).

Submission:

GeneDx
Classification: Uncertain significance. Last evaluated: 2023-07-05. Review status: criteria provided, single submitter. Criteria: GeneDx Variant Classification Process June 2021. Collection method: clinical testing. Allele origin: germline. Affected: yes.
Comment: Not observed at significant frequency in large population cohorts (gnomAD); In silico analysis supports that this missense variant has a deleterious effect on protein structure/function; Has not been previously published as pathogenic or benign to our knowledge; This variant is associated with the following publications: (PMID: 18184292)